The following is an entry in ClinVar:

NM_014633.5(CTR9):c.484A>G (p.Asn162Asp)

Gene: CTR9 (CTR9 component of Paf1/RNA polymerase II complex; plus strand). Cytogenetic location: 11p15.4.
Variant type: single nucleotide variant.
Coding change: c.484A>G on transcript NM_014633.5 (MANE Select); coding-DNA position 484, A replaced by G.
Protein change: p.Asn162Asp; replaces asparagine 162 with aspartic acid.
Molecular consequence: missense variant.
Genome position (GRCh38, 1-based): chr11:10,755,777, A>G. VCF-style: chr11-10755777-A-G. GRCh37 (hg19) VCF-style: chr11-10777324-A-G.
Other names: c.484A>G, p.Asn162Asp (NM_001346279.2); short protein forms N162D.
Identifiers: ClinVar variation 1053485 (VCV001053485.9), dbSNP rs1862875237, ClinGen allele CA379660990.

ClinVar aggregate classification (germline): Uncertain significance (1 of 4 stars; one submission).

Submission:

Labcorp Genetics (formerly Invitae), Labcorp
Classification: Uncertain significance. Last evaluated: 2023-10-13. Review status: criteria provided, single submitter. Criteria: Invitae Variant Classification Sherloc (09022015). Collection method: clinical testing. Allele origin: germline.
Comment: This sequence change replaces asparagine, which is neutral and polar, with aspartic acid, which is acidic and polar, at codon 162 of the CTR9 protein (p.Asn162Asp). This variant is not present in population databases (gnomAD no frequency). This variant has not been reported in the literature in individuals affected with CTR9-related conditions. ClinVar contains an entry for this variant (Variation ID: 1053485). An algorithm developed to predict the effect of missense changes on protein structure and function (PolyPhen-2) suggests that this variant is likely to be tolerated. Algorithms developed to predict the effect of sequence changes on RNA splicing suggest that this variant may create or strengthen a splice site. In summary, the available evidence is currently insufficient to determine the role of this variant in disease. Therefore, it has been classified as a Variant of Uncertain Significance.